The following is an entry in ClinVar:

ClinVar aggregate classification (germline): Uncertain significance (1 of 4 stars; one submission).

Conditions:
Inborn genetic diseases. Identifiers: MedGen C0950123, MeSH D030342.

gnomAD v4.1: 1 of 1,613,732 alleles (0.000062%); highest among the groups gnomAD compares: Admixed American, 0.0017%; no homozygotes.

Submission:

Ambry Genetics
Classification: Uncertain significance for Inborn genetic diseases. Last evaluated: 2026-06-04. Review status: criteria provided, single submitter. Criteria: Ambry Variant Classification Scheme 2023. Collection method: clinical testing. Allele origin: germline.
Comment: The c.2092G>A (p.D698N) alteration is located in exon 12 (coding exon 12) of the GLI2 gene. This alteration results from a G to A substitution at nucleotide position 2092, causing the aspartic acid (D) at amino acid position 698 to be replaced by an asparagine (N). Based on data from gnomAD, the A allele has an overall frequency of <0.001% (1/250306) total alleles studied. The highest observed frequency was 0.001% (1/112994) of European (non-Finnish) alleles. Based on insufficient or conflicting evidence, the clinical significance of this alteration remains unclear.

NM_001374353.1(GLI2):c.2041G>A (p.Asp681Asn)

Gene: GLI2 (GLI family zinc finger 2; plus strand). Cytogenetic location: 2q14.2.
Variant type: single nucleotide variant.
Coding change: c.2041G>A on transcript NM_001374353.1 (MANE Select); coding-DNA position 2041, G replaced by A.
Protein change: p.Asp681Asn; replaces aspartic acid 681 with asparagine.
Molecular consequence: missense variant.
Genome position (GRCh38, 1-based): chr2:120,986,413, G>A. VCF-style: chr2-120986413-G-A. GRCh37 (hg19) VCF-style: chr2-121743989-G-A.
Other names: c.2092G>A, p.Asp698Asn (NM_001371271.1, NM_005270.5); c.1666G>A, p.Asp556Asn (NM_001374354.1); short protein forms D556N, D681N, D698N.
Identifiers: ClinVar variation 4858102 (VCV004858102.1).